The following is an entry in ClinVar:

NM_033310.3(KCNK4):c.410G>T (p.Gly137Val)

Genes: KCNK4 (potassium two pore domain channel subfamily K member 4; plus strand), KCNK4-CATSPERZ (KCNK4-CATSPERZ readthrough (NMD candidate); plus strand). Cytogenetic location: 11q13.1.
Variant type: single nucleotide variant.
Coding change: c.410G>T on transcript NM_033310.3 (MANE Select); coding-DNA position 410, G replaced by T.
Protein change: p.Gly137Val; replaces glycine 137 with valine.
Molecular consequence: missense variant. On other transcripts: non-coding transcript variant (3).
Genome position (GRCh38, 1-based): chr11:64,297,215, G>T. VCF-style: chr11-64297215-G-T. GRCh37 (hg19) VCF-style: chr11-64064687-G-T.
Other names: c.410G>T, p.Gly137Val (NM_001317090.2, NM_033311.1); short protein forms G137V.
Identifiers: ClinVar variation 2875197 (VCV002875197.3), dbSNP rs1172207921, ClinGen allele CA381164566.

ClinVar aggregate classification (germline): Uncertain significance (1 of 4 stars; one submission).

Allele frequency attached by ClinVar (database versions not stated): gnomAD exomes below 0.00001.

Submission:

Labcorp Genetics (formerly Invitae), Labcorp
Classification: Uncertain significance. Last evaluated: 2025-12-28. Review status: criteria provided, single submitter. Criteria: Invitae Variant Classification Sherloc (09022015). Collection method: clinical testing. Allele origin: germline.
Comment: This sequence change replaces glycine, which is neutral and non-polar, with valine, which is neutral and non-polar, at codon 137 of the KCNK4 protein (p.Gly137Val). This variant is present in population databases (no rsID available, gnomAD 0.003%). This variant has not been reported in the literature in individuals affected with KCNK4-related conditions. ClinVar contains an entry for this variant (Variation ID: 2875197). An algorithm developed to predict the effect of missense changes on protein structure and function (PolyPhen-2) suggests that this variant is likely to be disruptive. In summary, the available evidence is currently insufficient to determine the role of this variant in disease. Therefore, it has been classified as a Variant of Uncertain Significance.